The following is an entry in ClinVar:

NM_003079.5(SMARCE1):c.1226A>T (p.Lys409Ile)

Gene: SMARCE1 (SWI/SNF related BAF chromatin remodeling complex subunit E1; minus strand). Cytogenetic location: 17q21.2.
Variant type: single nucleotide variant.
Coding change: c.1226A>T on transcript NM_003079.5 (MANE Select); coding-DNA position 1226, A replaced by T.
Protein change: p.Lys409Ile; replaces lysine 409 with isoleucine.
Molecular consequence: missense variant.
Genome position (GRCh38, 1-based): chr17:40,628,795, T>A on the plus strand (A>T on the coding strand, the complement: SMARCE1 is on the minus strand). VCF-style: chr17-40628795-T-A. GRCh37 (hg19) VCF-style: chr17-38785047-T-A.
Other names: short protein forms K409I.
Identifiers: ClinVar variation 1996019 (VCV001996019.4), dbSNP rs770346178, ClinGen allele CA399360715.

ClinVar aggregate classification (germline): Uncertain significance (1 of 4 stars; one submission).

Conditions:
Familial meningioma. Also called: Meningioma, familial, susceptibility to. Identifiers: Orphanet 263662, MedGen C3551915, MONDO:0011789, OMIM 607174.

Submission:

Labcorp Genetics (formerly Invitae), Labcorp
Classification: Uncertain significance for Familial meningioma. Last evaluated: 2022-05-18. Review status: criteria provided, single submitter. Criteria: Invitae Variant Classification Sherloc (09022015). Collection method: clinical testing. Allele origin: germline.
Comment: This sequence change replaces lysine, which is basic and polar, with isoleucine, which is neutral and non-polar, at codon 409 of the SMARCE1 protein (p.Lys409Ile). This variant is not present in population databases (gnomAD no frequency). This variant has not been reported in the literature in individuals affected with SMARCE1-related conditions. Algorithms developed to predict the effect of missense changes on protein structure and function are either unavailable or do not agree on the potential impact of this missense change (SIFT: "Deleterious"; PolyPhen-2: "Not Available"; Align-GVGD: "Class C0"). In summary, the available evidence is currently insufficient to determine the role of this variant in disease. Therefore, it has been classified as a Variant of Uncertain Significance.